The following is an entry in ClinVar:

ClinVar aggregate classification (germline): Uncertain significance (1 of 4 stars; one submission).

Conditions:
Nemaline myopathy 2 (NEM2). Also called: Nemaline myopathy 2, autosomal recessive. Identifiers: MedGen C1850569, MONDO:0009725, OMIM 256030.

Allele frequency attached by ClinVar (database versions not stated): TOPMed below 0.00001; gnomAD 0.00001.
gnomAD v4.1: 1 of 1,600,180 alleles (0.000062%); highest among the groups gnomAD compares: Non-Finnish European, 0.000086%; no homozygotes.

Submission:

Labcorp Genetics (formerly Invitae), Labcorp
Classification: Uncertain significance for Nemaline myopathy 2. Last evaluated: 2021-10-07. Review status: criteria provided, single submitter. Criteria: Invitae Variant Classification Sherloc (09022015). Collection method: clinical testing. Allele origin: germline.
Comment: This sequence change replaces proline with serine at codon 6099 of the NEB protein (p.Pro6099Ser). The proline residue is moderately conserved and there is a moderate physicochemical difference between proline and serine. This variant is not present in population databases (ExAC no frequency). This variant has not been reported in the literature in individuals affected with NEB-related conditions. Algorithms developed to predict the effect of missense changes on protein structure and function are either unavailable or do not agree on the potential impact of this missense change (SIFT: "Tolerated"; PolyPhen-2: "Not Available"; Align-GVGD: "Class C0"). In summary, the available evidence is currently insufficient to determine the role of this variant in disease. Therefore, it has been classified as a Variant of Uncertain Significance.

NM_001164508.2(NEB):c.18295C>T (p.Pro6099Ser)

Gene: NEB (nebulin; minus strand). Cytogenetic location: 2q23.3.
Variant type: single nucleotide variant.
Coding change: c.18295C>T on transcript NM_001164508.2 (MANE Select); coding-DNA position 18295, C replaced by T.
Protein change: p.Pro6099Ser; replaces proline 6099 with serine.
Molecular consequence: missense variant.
Genome position (GRCh38, 1-based): chr2:151,565,572, G>A on the plus strand (C>T on the coding strand, the complement: NEB is on the minus strand). VCF-style: chr2-151565572-G-A. GRCh37 (hg19) VCF-style: chr2-152422086-G-A.
Other names: c.18295C>T, p.Pro6099Ser (NM_001164507.2, NM_001271208.2); c.13192C>T, p.Pro4398Ser (NM_004543.5); short protein forms P4398S, P6099S.
Identifiers: ClinVar variation 933373 (VCV000933373.7), dbSNP rs1269081768, ClinGen allele CA348801349.